The following is an entry in ClinVar:

ClinVar aggregate classification (germline): Uncertain significance (1 of 4 stars; one submission).

Conditions:
Idiopathic Pulmonary Fibrosis. Also called: Idiopathic fibrosing alveolitis, chronic form; idiopathic fibrosing alveolitis. Identifiers: Orphanet 2032, MedGen C1800706, MeSH D054990, MONDO:0800504.
Dyskeratosis congenita, autosomal dominant 2. Identifiers: MedGen C3151443, MONDO:0013521, OMIM 613989.

Submission:

Labcorp Genetics (formerly Invitae), Labcorp
Classification: Uncertain significance for Dyskeratosis congenita, autosomal dominant 2; Idiopathic Pulmonary Fibrosis. Last evaluated: 2022-01-12. Review status: criteria provided, single submitter. Criteria: Invitae Variant Classification Sherloc (09022015). Collection method: clinical testing. Allele origin: germline.
Comment: In summary, the available evidence is currently insufficient to determine the role of this variant in disease. Therefore, it has been classified as a Variant of Uncertain Significance. Advanced modeling of protein sequence and biophysical properties (such as structural, functional, and spatial information, amino acid conservation, physicochemical variation, residue mobility, and thermodynamic stability) performed at Invitae indicates that this missense variant is not expected to disrupt TERT protein function. This variant has not been reported in the literature in individuals affected with TERT-related conditions. This variant is not present in population databases (gnomAD no frequency). This sequence change replaces aspartic acid, which is acidic and polar, with glycine, which is neutral and non-polar, at codon 701 of the TERT protein (p.Asp701Gly).

NM_198253.3(TERT):c.2102A>G (p.Asp701Gly)

Gene: TERT (telomerase reverse transcriptase; minus strand). Cytogenetic location: 5p15.33.
Variant type: single nucleotide variant.
Coding change: c.2102A>G on transcript NM_198253.3 (MANE Select); coding-DNA position 2102, A replaced by G.
Protein change: p.Asp701Gly; replaces aspartic acid 701 with glycine.
Molecular consequence: missense variant. On other transcripts: non-coding transcript variant (2).
Genome position (GRCh38, 1-based): chr5:1,279,319, T>C on the plus strand (A>G on the coding strand, the complement: TERT is on the minus strand). VCF-style: chr5-1279319-T-C. GRCh37 (hg19) VCF-style: chr5-1279434-T-C.
Other names: c.2102A>G, p.Asp701Gly (NM_001193376.3, NM_003219.1); short protein forms D701G.
Identifiers: ClinVar variation 2018684 (VCV002018684.4), dbSNP rs2478274839, ClinGen allele CA359080084.